The following is an entry in ClinVar:

NM_021151.4(CROT):c.398T>C (p.Leu133Ser)

Gene: CROT (carnitine O-octanoyltransferase; plus strand). Cytogenetic location: 7q21.12.
Variant type: single nucleotide variant.
Coding change: c.398T>C on transcript NM_021151.4 (MANE Select); coding-DNA position 398, T replaced by C.
Protein change: p.Leu133Ser; replaces leucine 133 with serine.
Molecular consequence: missense variant.
Genome position (GRCh38, 1-based): chr7:87,361,547, T>C. VCF-style: chr7-87361547-T-C. GRCh37 (hg19) VCF-style: chr7-86990863-T-C.
Other names: c.482T>C, p.Leu161Ser (NM_001143935.2); short protein forms L133S, L161S.
Identifiers: ClinVar variation 4656780 (VCV004656780.1).
Genomic context (GRCh38, chr7:87,361,547, plus strand): 5'-ACTGGCCTCCAAAGGAAGGGACTCAATTAGAAAGAGGAAGTATAACTCTTTGGCATAACT[T>C]GAACTACTGGCAGCTATTAAGAAAGTAAGGACACATGTGAATTTAGTGACAGGCTTACCT-3'
Protein context (NP_066974.2, residues 123-143): ERGSITLWHN[Leu133Ser]NYWQLLRKEK

ClinVar aggregate classification (germline): Uncertain significance (1 of 4 stars; one submission).

gnomAD v4.1: 5 of 1,598,186 alleles (0.00031%); highest among the groups gnomAD compares: African/African-American, 0.004%; no homozygotes.

Submission:

Ambry Genetics
Classification: Uncertain significance. Last evaluated: 2025-10-29. Review status: criteria provided, single submitter. Criteria: Ambry Variant Classification Scheme 2023. Collection method: clinical testing. Allele origin: germline.
Comment: The c.482T>C (p.L161S) alteration is located in exon 6 (coding exon 4) of the CROT gene. This alteration results from a T to C substitution at nucleotide position 482, causing the leucine (L) at amino acid position 161 to be replaced by a serine (S). Based on data from gnomAD, the C allele has an overall frequency of 0.001% (2/240758) total alleles studied. The highest observed frequency was 0.013% (2/16040) of African alleles. Based on insufficient or conflicting evidence, the clinical significance of this alteration remains unclear.